The following is an entry in ClinVar:

ClinVar aggregate classification (germline): Pathogenic (0 of 4 stars; one submission).

Conditions:
Alkaptonuria (AKU). Also called: Alkaptonuric ochronosis; Homogentisic acidura; HOMOGENTISIC ACID OXIDASE DEFICIENCY; Alcaptonuria. Identifiers: Orphanet 56, MedGen C0002066, MONDO:0008753, OMIM 203500.

Submission:

Department Of Human Genetics, Institute Of Clinical And Translational Research, Biomedical Research Center, Slovak Academy Of Sciences
Classification: Pathogenic for Alkaptonuria. Review status: no assertion criteria provided. Collection method: research. Allele origin: germline. Inheritance: Autosomal recessive inheritance. Affected: yes. Observed: 1 variant allele.
Comment: The variant was originally described in PMID:30737480. It has been submitted to the HGD gene mutation database (DB-ID: AKU_00175).

Literature cited by the submitters: PubMed 30737480.

NM_000187.4(HGD):c.184_187dup (p.Arg63delinsIleTer)

Gene: HGD (homogentisate 1,2-dioxygenase; minus strand). Cytogenetic location: 3q13.33.
Variant type: Microsatellite.
Coding change: c.184_187dup on transcript NM_000187.4 (MANE Select); coding-DNA positions 184 to 187, 4 bases duplicated (TATA; older notation c.184_187dupTATA).
Protein change: p.Arg63delinsIleTer.
Molecular consequence: nonsense.
Genome position (GRCh38, 1-based): chr3:120,670,522-120,670,525, TATA duplicated on the plus strand (TATA on the coding strand, the reverse complement: HGD is on the minus strand). VCF-style (leftmost placement, unchanged base first): chr3-120670521-C-CTATA. GRCh37 (hg19) VCF-style: chr3-120389368-C-CTATA.
Identifiers: ClinVar variation 2584700 (VCV002584700.2), dbSNP rs2472786418, ClinGen allele CA2582342884.